The following is an entry in ClinVar:

ClinVar aggregate classification (germline): Uncertain significance (1 of 4 stars; one submission).

Conditions:
Neurodevelopmental disorder with or without hyperkinetic movements and seizures, autosomal dominant. Also called: Intellectual disability, autosomal dominant 8. Identifiers: MedGen C3280282, MONDO:0013655, OMIM 614254.

Allele frequency attached by ClinVar (database versions not stated): gnomAD exomes below 0.00001.
gnomAD v4.1: 1 of 1,612,416 alleles (0.000062%); highest among the groups gnomAD compares: Admixed American, 0.0017%; no homozygotes.

Submission:

Labcorp Genetics (formerly Invitae), Labcorp
Classification: Uncertain significance for Neurodevelopmental disorder with or without hyperkinetic movements and seizures, autosomal dominant. Last evaluated: 2026-01-11. Review status: criteria provided, single submitter. Criteria: Invitae Variant Classification Sherloc (09022015). Collection method: clinical testing. Allele origin: germline.
Comment: This sequence change replaces threonine, which is neutral and polar, with alanine, which is neutral and non-polar, at codon 450 of the GRIN1 protein (p.Thr450Ala). This variant is present in population databases (no rsID available, gnomAD 0.003%). This variant has not been reported in the literature in individuals affected with GRIN1-related conditions. ClinVar contains an entry for this variant (Variation ID: 1390634). Invitae Evidence Modeling of protein sequence and biophysical properties (such as structural, functional, and spatial information, amino acid conservation, physicochemical variation, residue mobility, and thermodynamic stability) has been performed for this missense variant. However, the output from this modeling did not meet the statistical confidence thresholds required to predict the impact of this variant on GRIN1 protein function. In summary, the available evidence is currently insufficient to determine the role of this variant in disease. Therefore, it has been classified as a Variant of Uncertain Significance.

NM_007327.4(GRIN1):c.1348A>G (p.Thr450Ala)

Gene: GRIN1 (glutamate ionotropic receptor NMDA type subunit 1; plus strand). Cytogenetic location: 9q34.3.
Variant type: single nucleotide variant.
Coding change: c.1348A>G on transcript NM_007327.4 (MANE Select); coding-DNA position 1348, A replaced by G.
Protein change: p.Thr450Ala; replaces threonine 450 with alanine.
Molecular consequence: missense variant.
Genome position (GRCh38, 1-based): chr9:137,161,297, A>G. VCF-style: chr9-137161297-A-G. GRCh37 (hg19) VCF-style: chr9-140055749-A-G.
Other names: c.1348A>G, p.Thr450Ala (NM_000832.7, NM_021569.4); c.1411A>G, p.Thr471Ala (NM_001185090.2, NM_001185091.2); short protein forms T450A, T471A.
Identifiers: ClinVar variation 1390634 (VCV001390634.8), dbSNP rs1440400460, ClinGen allele CA375716414.
Genomic context (GRCh38, chr9:137,161,297, plus strand): 5'-GCGGGGCGTGGGGCGGTCTGGAGCCCAGCAGTTACCGCCCGCACCTACCCAGCCCGCCAC[A>G]CGGTGCCTCAGTGTTGCTACGGCTTTTGCATCGACCTGCTCATCAAGCTGGCACGGACCA-3'
Protein context (NP_015566.1, residues 440-460): NDTSPGSPRH[Thr450Ala]VPQCCYGFCI